The following is an entry in ClinVar:

ClinVar aggregate classification (germline): Uncertain significance (1 of 4 stars; one submission).

Conditions:
Peroxisome biogenesis disorder 2B (PBD2B). Identifiers: Orphanet 44, MedGen C3550234, MONDO:0008736, OMIM 202370.

Submission:

Labcorp Genetics (formerly Invitae), Labcorp
Classification: Uncertain significance for Peroxisome biogenesis disorder 2B. Last evaluated: 2023-08-25. Review status: criteria provided, single submitter. Criteria: Invitae Variant Classification Sherloc (09022015). Collection method: clinical testing. Allele origin: germline.
Comment: This sequence change replaces alanine, which is neutral and non-polar, with serine, which is neutral and polar, at codon 238 of the PEX5 protein (p.Ala238Ser). This variant is not present in population databases (gnomAD no frequency). This variant has not been reported in the literature in individuals affected with PEX5-related conditions. Advanced modeling of protein sequence and biophysical properties (such as structural, functional, and spatial information, amino acid conservation, physicochemical variation, residue mobility, and thermodynamic stability) performed at Invitae indicates that this missense variant is not expected to disrupt PEX5 protein function. In summary, the available evidence is currently insufficient to determine the role of this variant in disease. Therefore, it has been classified as a Variant of Uncertain Significance.

NM_001351132.2(PEX5):c.712G>T (p.Ala238Ser)

Gene: PEX5 (peroxisomal biogenesis factor 5; plus strand). Cytogenetic location: 12p13.31.
Variant type: single nucleotide variant.
Coding change: c.712G>T on transcript NM_001351132.2 (MANE Select); coding-DNA position 712, G replaced by T.
Protein change: p.Ala238Ser; replaces alanine 238 with serine.
Molecular consequence: missense variant. On other transcripts: intron variant (15).
Genome position (GRCh38, 1-based): chr12:7,202,310, G>T. VCF-style: chr12-7202310-G-T. GRCh37 (hg19) VCF-style: chr12-7354906-G-T.
Other names: c.712G>T, p.Ala238Ser (NM_000319.5, NM_001131025.2, NM_001131026.2 and 6 more transcripts); c.757G>T, p.Ala253Ser (NM_001131023.2); c.688-302G>T (NM_001351135.3, NM_001351138.2); c.643-302G>T (NM_001351137.3, NM_001351127.2, NM_001351140.2 and 10 more transcripts); short protein forms A238S, A253S.
Identifiers: ClinVar variation 2726778 (VCV002726778.3), dbSNP rs2540147362, ClinGen allele CA383722943.